The following is an entry in ClinVar:

ClinVar aggregate classification (germline): Uncertain significance. Review status: criteria provided, multiple submitters, no conflicts (2 of 4 stars). 5 submissions from 5 submitters: Uncertain significance (4). 1 of the submissions does not count toward it. Last evaluated 2024-05-19.

Conditions:
Familial thoracic aortic aneurysm and aortic dissection (TAAD). Also called: Thoracic aortic aneurysms and dissections. Identifiers: Orphanet 91387, MedGen C4707243, MONDO:0019625.
Classic homocystinuria. Also called: Homocystinuria due to Cystathionine Beta-Synthase Deficiency; Homocystinuria due to CBS deficiency; Cystathionine beta-synthase deficiency; CBS deficiency; HOMOCYSTINURIA WITH OR WITHOUT RESPONSE TO PYRIDOXINE. Identifiers: Orphanet 394, MedGen C0751202, MONDO:0009352, OMIM 236200.
HYPERHOMOCYSTEINEMIA, THROMBOTIC, CBS-RELATED. Identifiers: MedGen C3150344, OMIM 236200.

Allele frequency attached by ClinVar (database versions not stated): gnomAD exomes below 0.00001; TOPMed 0.00002.

Submissions (5):

Ambry Genetics
Classification: Uncertain significance for Familial thoracic aortic aneurysm and aortic dissection. Last evaluated: 2024-05-19. Review status: criteria provided, single submitter. Criteria: Ambry Variant Classification Scheme 2023. Collection method: clinical testing. Allele origin: germline.
Comment: The p.W208R variant (also known as c.622T>C), located in coding exon 5 of the CBS gene, results from a T to C substitution at nucleotide position 622. The tryptophan at codon 208 is replaced by arginine, an amino acid with dissimilar properties. This amino acid position is conserved. In addition, this alteration is predicted to be deleterious by in silico analysis. Based on the available evidence, the clinical significance of this variant remains unclear.

Fulgent Genetics
Classification: Uncertain significance for Classic homocystinuria. Last evaluated: 2021-10-29. Review status: criteria provided, single submitter. Criteria: ACMG Guidelines, 2015. Collection method: clinical testing. Allele origin: unknown.

Labcorp Genetics (formerly Invitae), Labcorp
Classification: Uncertain significance for HYPERHOMOCYSTEINEMIA, THROMBOTIC, CBS-RELATED. Last evaluated: 2021-08-20. Review status: criteria provided, single submitter. Criteria: Invitae Variant Classification Sherloc (09022015). Collection method: clinical testing. Allele origin: germline.
Comment: This sequence change replaces tryptophan with arginine at codon 208 of the CBS protein (p.Trp208Arg). The tryptophan residue is moderately conserved and there is a moderate physicochemical difference between tryptophan and arginine. This variant is not present in population databases (ExAC no frequency). This variant has not been reported in the literature in individuals affected with CBS-related conditions. Algorithms developed to predict the effect of missense changes on protein structure and function (SIFT, PolyPhen-2, Align-GVGD) all suggest that this variant is likely to be tolerated. In summary, the available evidence is currently insufficient to determine the role of this variant in disease. Therefore, it has been classified as a Variant of Uncertain Significance.

Stanford Center for Inherited Cardiovascular Disease, Stanford University
Classification: Uncertain significance. Last evaluated: 2016-08-11. Review status: criteria provided, single submitter. Criteria: ACMG Guidelines, 2015. Collection method: provider interpretation. Allele origin: germline.

Natera, Inc.
Classification: Uncertain significance for Homocystinuria due to cystathionine beta-synthase deficiency. Last evaluated: 2020-09-16. Review status: no assertion criteria provided. Collection method: clinical testing. Allele origin: germline. Not counted in ClinVar's aggregate classification.

NM_000071.3(CBS):c.622T>C (p.Trp208Arg)

Gene: CBS (cystathionine beta-synthase; minus strand). Cytogenetic location: 21q22.3.
Variant type: single nucleotide variant.
Coding change: c.622T>C on transcript NM_000071.3 (MANE Select); coding-DNA position 622, T replaced by C.
Protein change: p.Trp208Arg; replaces tryptophan 208 with arginine.
Molecular consequence: missense variant.
Genome position (GRCh38, 1-based): chr21:43,065,431, A>G on the plus strand (T>C on the coding strand, the complement: CBS is on the minus strand). VCF-style: chr21-43065431-A-G. GRCh37 (hg19) VCF-style: chr21-44485541-A-G.
Other names: c.622T>C, p.Trp208Arg (NM_001178008.3, NM_001178009.3, NM_001320298.2); c.307T>C, p.Trp103Arg (NM_001321072.1); short protein forms W208R, W103R.
Identifiers: ClinVar variation 405375 (VCV000405375.8), dbSNP rs1060500683, ClinGen allele CA16616544.